The following is an entry in ClinVar:

NM_017882.3(CLN6):c.494C>T (p.Ser165Phe)

Gene: CLN6 (CLN6 transmembrane ER protein; minus strand). Cytogenetic location: 15q23.
Variant type: single nucleotide variant.
Coding change: c.494C>T on transcript NM_017882.3 (MANE Select); coding-DNA position 494, C replaced by T.
Protein change: p.Ser165Phe; replaces serine 165 with phenylalanine.
Molecular consequence: missense variant.
Genome position (GRCh38, 1-based): chr15:68,211,311, G>A on the plus strand (C>T on the coding strand, the complement: CLN6 is on the minus strand). VCF-style: chr15-68211311-G-A. GRCh37 (hg19) VCF-style: chr15-68503649-G-A.
Other names: short protein forms S165F.
Identifiers: ClinVar variation 661634 (VCV000661634.6), dbSNP rs1595818025, ClinGen allele CA392973219.
Genomic context (GRCh38, chr15:68,211,311, plus strand): 5'-CCCATCACTCACCACATGCAGTGACCCAGGTACTCATCATAATAGTAGAGCAGCTCAAAG[G>A]AGTCGATCTGAGGGAGGAACGGGCAGGGCAGAGTCGGGGGATGTCGATGTCAGTCCAGGG-3'
Protein context (NP_060352.1, residues 155-175): KNLKPETLID[Ser165Phe]FELLYYYDEY

ClinVar aggregate classification (germline): Uncertain significance (1 of 4 stars; one submission).

Conditions:
Neuronal ceroid lipofuscinosis. Also called: Neuronal Ceroid Lipofuscinoses. Identifiers: Orphanet 216, Orphanet 79263, MedGen C0027877, MONDO:0016295. Disease mechanism: loss of function.

Allele frequency attached by ClinVar (database versions not stated): TOPMed below 0.00001.
gnomAD v4.1: 1 of 1,613,990 alleles (0.000062%); no homozygotes.

Submission:

Labcorp Genetics (formerly Invitae), Labcorp
Classification: Uncertain significance for Neuronal ceroid lipofuscinosis. Last evaluated: 2022-08-16. Review status: criteria provided, single submitter. Criteria: Invitae Variant Classification Sherloc (09022015). Collection method: clinical testing. Allele origin: germline.
Comment: This sequence change replaces serine, which is neutral and polar, with phenylalanine, which is neutral and non-polar, at codon 165 of the CLN6 protein (p.Ser165Phe). This variant is not present in population databases (gnomAD no frequency). This variant has not been reported in the literature in individuals affected with CLN6-related conditions. ClinVar contains an entry for this variant (Variation ID: 661634). Algorithms developed to predict the effect of missense changes on protein structure and function are either unavailable or do not agree on the potential impact of this missense change (SIFT: "Tolerated"; PolyPhen-2: "Possibly Damaging"; Align-GVGD: "Class C0"). In summary, the available evidence is currently insufficient to determine the role of this variant in disease. Therefore, it has been classified as a Variant of Uncertain Significance.